The following is an entry in ClinVar:

ClinVar aggregate classification (germline): Uncertain significance (1 of 4 stars; one submission).

Allele frequency attached by ClinVar (database versions not stated): TOPMed below 0.00001; ExAC 0.00001; gnomAD exomes 0.00001.
gnomAD v4.1: 8 of 1,614,226 alleles (0.0005%); highest among the groups gnomAD compares: Non-Finnish European, 0.00068%; no homozygotes.

Submission:

Ambry Genetics
Classification: Uncertain significance. Last evaluated: 2023-09-10. Review status: criteria provided, single submitter. Criteria: Ambry Variant Classification Scheme 2023. Collection method: clinical testing. Allele origin: germline.
Comment: The p.D334H variant (also known as c.1000G>C), located in coding exon 3 of the ALPK2 gene, results from a G to C substitution at nucleotide position 1000. The aspartic acid at codon 334 is replaced by histidine, an amino acid with similar properties. This amino acid position is conserved. In addition, the in silico prediction for this alteration is inconclusive. Since supporting evidence is limited at this time, the clinical significance of this alteration remains unclear.

NM_052947.4(ALPK2):c.1000G>C (p.Asp334His)

Genes: ALPK2 (alpha kinase 2; minus strand), LOC114803473 (ALPK2 eExon liver enhancer; plus strand). Cytogenetic location: 18q21.31.
Variant type: single nucleotide variant.
Coding change: c.1000G>C on transcript NM_052947.4 (MANE Select); coding-DNA position 1000, G replaced by C.
Protein change: p.Asp334His; replaces aspartic acid 334 with histidine.
Molecular consequence: missense variant.
Genome position (GRCh38, 1-based): chr18:58,579,776, C>G on the plus strand (G>C on the coding strand, the complement: ALPK2 is on the minus strand). VCF-style: chr18-58579776-C-G. GRCh37 (hg19) VCF-style: chr18-56247008-C-G.
Other names: short protein forms D334H.
Identifiers: ClinVar variation 2624514 (VCV002624514.2), dbSNP rs775291053, ClinGen allele CA8977343.